The following is an entry in ClinVar:

ClinVar aggregate classification (germline): Uncertain significance (1 of 4 stars; one submission).

Submission:

GeneDx
Classification: Uncertain significance. Last evaluated: 2019-07-22. Review status: criteria provided, single submitter. Criteria: GeneDx Variant Classification Process June 2021. Collection method: clinical testing. Allele origin: germline. Affected: yes.
Comment: Not observed in large population cohorts (Lek et al., 2016); In silico analysis, which includes protein predictors and evolutionary conservation, supports that this variant does not alter protein structure/function; Has not been previously published as pathogenic or benign to our knowledge

NM_025136.4(OPA3):c.316G>C (p.Ala106Pro)

Genes: OPA3 (outer mitochondrial membrane lipid metabolism regulator OPA3; minus strand), OPA3-RTN2 (OPA3-RTN2 readthrough; minus strand). Cytogenetic location: 19q13.32.
Variant type: single nucleotide variant.
Coding change: c.316G>C on transcript NM_025136.4 (MANE Select); coding-DNA position 316, G replaced by C.
Protein change: p.Ala106Pro; replaces alanine 106 with proline.
Molecular consequence: missense variant. On other transcripts: intron variant (1).
Genome position (GRCh38, 1-based): chr19:45,553,738, C>G on the plus strand (G>C on the coding strand, the complement: OPA3 is on the minus strand). VCF-style: chr19-45553738-C-G. GRCh37 (hg19) VCF-style: chr19-46056996-C-G.
Other names: c.143-24282G>C (NM_001017989.3); short protein forms A106P.
Identifiers: ClinVar variation 1306574 (VCV001306574.2), dbSNP rs750013718, ClinGen allele CA406370790.